The following is an entry in ClinVar:

NM_017841.4(SDHAF2):c.260+1G>C

Gene: SDHAF2 (succinate dehydrogenase complex assembly factor 2; plus strand). Cytogenetic location: 11q12.2.
Variant type: single nucleotide variant.
Coding change: c.260+1G>C on transcript NM_017841.4 (MANE Select); the canonical splice donor site of the intron after coding-DNA position 260, G replaced by C.
Molecular consequence: splice donor variant.
Genome position (GRCh38, 1-based): chr11:61,437,849, G>C. VCF-style: chr11-61437849-G-C. GRCh37 (hg19) VCF-style: chr11-61205321-G-C.
Identifiers: ClinVar variation 3650061 (VCV003650061.2).

ClinVar aggregate classification (germline): Likely pathogenic (1 of 4 stars; one submission).

Conditions:
Hereditary pheochromocytoma and paraganglioma. Also called: Hereditary paragangliomas and pheochromocytomas; Hereditary Paraganglioma-Pheochromocytoma Syndromes; Hereditary pheochromocytoma-paraganglioma. Identifiers: Orphanet 29072, MedGen C4274332, MONDO:0017366.

Submission:

Labcorp Genetics (formerly Invitae), Labcorp
Classification: Likely pathogenic for Hereditary pheochromocytoma and paraganglioma. Last evaluated: 2024-04-16. Review status: criteria provided, single submitter. Criteria: Invitae Variant Classification Sherloc (09022015). Collection method: clinical testing. Allele origin: germline.
Comment: This sequence change affects a donor splice site in intron 2 of the SDHAF2 gene. RNA analysis indicates that disruption of this splice site induces altered splicing and may result in an absent or disrupted protein product. This variant is not present in population databases (gnomAD no frequency). This variant has not been reported in the literature in individuals affected with SDHAF2-related conditions. Studies have shown that disruption of this splice site results in skipping of exon 2 and exons 2-3 and introduces a premature termination codon (Invitae). The resulting mRNA is expected to undergo nonsense-mediated decay. In summary, the currently available evidence indicates that the variant is pathogenic, but additional data are needed to prove that conclusively. Therefore, this variant has been classified as Likely Pathogenic.